The following is an entry in ClinVar:

ClinVar aggregate classification (germline): Uncertain significance (1 of 4 stars; one submission).

Submission:

Labcorp Genetics (formerly Invitae), Labcorp
Classification: Uncertain significance. Last evaluated: 2024-11-18. Review status: criteria provided, single submitter. Criteria: Invitae Variant Classification Sherloc (09022015). Collection method: clinical testing. Allele origin: germline.
Comment: This sequence change replaces valine, which is neutral and non-polar, with aspartic acid, which is acidic and polar, at codon 1030 of the PIK3C2A protein (p.Val1030Asp). This variant is not present in population databases (gnomAD no frequency). This variant has not been reported in the literature in individuals affected with PIK3C2A-related conditions. ClinVar contains an entry for this variant (Variation ID: 2088535). An algorithm developed to predict the effect of missense changes on protein structure and function (PolyPhen-2) suggests that this variant is likely to be disruptive. In summary, the available evidence is currently insufficient to determine the role of this variant in disease. Therefore, it has been classified as a Variant of Uncertain Significance.

NM_002645.4(PIK3C2A):c.3089T>A (p.Val1030Asp)

Gene: PIK3C2A (phosphatidylinositol-4-phosphate 3-kinase catalytic subunit type 2 alpha; minus strand). Cytogenetic location: 11p15.1.
Variant type: single nucleotide variant.
Coding change: c.3089T>A on transcript NM_002645.4 (MANE Select); coding-DNA position 3089, T replaced by A.
Protein change: p.Val1030Asp; replaces valine 1030 with aspartic acid.
Molecular consequence: missense variant.
Genome position (GRCh38, 1-based): chr11:17,117,618, A>T on the plus strand (T>A on the coding strand, the complement: PIK3C2A is on the minus strand). VCF-style: chr11-17117618-A-T. GRCh37 (hg19) VCF-style: chr11-17139165-A-T.
Other names: c.3089T>A, p.Val1030Asp (NM_001321378.2); c.1949T>A, p.Val650Asp (NM_001321380.2); c.2921T>A, p.Val974Asp (NM_001386870.1); short protein forms V650D, V974D, V1030D.
Identifiers: ClinVar variation 2088535 (VCV002088535.4), dbSNP rs2494046454, ClinGen allele CA379759487.